The following is an entry in ClinVar:

ClinVar aggregate classification (germline): Uncertain significance (1 of 4 stars; one submission).

Submission:

Labcorp Genetics (formerly Invitae), Labcorp
Classification: Uncertain significance. Last evaluated: 2024-07-01. Review status: criteria provided, single submitter. Criteria: Invitae Variant Classification Sherloc (09022015). Collection method: clinical testing. Allele origin: germline.
Comment: This sequence change affects a splice site in intron 23 of the LAMA5 gene. It is expected to disrupt RNA splicing. Variants that disrupt the donor or acceptor splice site typically lead to a loss of protein function (PMID: 16199547), however the current clinical and genetic evidence is not sufficient to establish whether loss-of-function variants in LAMA5 cause disease. This variant is not present in population databases (gnomAD no frequency). This variant has not been reported in the literature in individuals affected with LAMA5-related conditions. Algorithms developed to predict the effect of sequence changes on RNA splicing suggest that this variant may disrupt the consensus splice site. In summary, the available evidence is currently insufficient to determine the role of this variant in disease. Therefore, it has been classified as a Variant of Uncertain Significance.

Literature cited by the submitters: PubMed 16199547.

NM_005560.6(LAMA5):c.2878+2_2878+3del

Gene: LAMA5 (laminin subunit alpha 5; minus strand). Cytogenetic location: 20q13.33.
Variant type: Microsatellite.
Coding change: c.2878+2_2878+3del on transcript NM_005560.6 (MANE Select); the canonical splice donor site of the intron after coding-DNA position 2878 through 3 bases into the intron after coding-DNA position 2878, 2 bases deleted (TG; older notation c.2878+2_2878+3delTG).
Molecular consequence: splice donor variant.
Genome position (GRCh38, 1-based): chr20:62,333,898-62,333,899, CA deleted on the plus strand (TG on the coding strand, the reverse complement: LAMA5 is on the minus strand); deleting any 2 consecutive bases within chr20:62,333,898-62,333,901 gives the same sequence; the c. name uses the placement nearest the transcript's 3' end. VCF-style (leftmost placement, unchanged base first): chr20-62333897-TCA-T. GRCh37 (hg19) VCF-style: chr20-60908953-TCA-T.
Identifiers: ClinVar variation 3652700 (VCV003652700.2).